The following is an entry in ClinVar:

ClinVar aggregate classification (germline): Likely benign. Review status: criteria provided, single submitter (1 of 4 stars). 2 submissions from 2 submitters: Likely benign (1). 1 of the submissions does not count toward it. Last evaluated 2022-11-04.

Conditions:
Cognitive impairment - coarse facies - heart defects - obesity - pulmonary involvement - short stature - skeletal dysplasia syndrome. Also called: COGNITIVE IMPAIRMENT, COARSE FACIES, HEART DEFECTS, OBESITY, PULMONARY INVOLVEMENT, SHORT STATURE, AND SKELETAL DYSPLASIA; Chops syndrome; AFF4-Related CHOPS Syndrome. Identifiers: Orphanet 444077, MedGen C4085597, MONDO:0014609, OMIM 616368.
AFF4-related disorder. Also called: AFF4-related condition.

Allele frequency attached by ClinVar (database versions not stated): ExAC 0.00001; gnomAD 0.00002; gnomAD exomes 0.00002; TOPMed 0.00002.
gnomAD v4.1: 31 of 1,613,874 alleles (0.0019%); highest among the groups gnomAD compares: Non-Finnish European, 0.0025%; no homozygotes.

Submissions (2):

Labcorp Genetics (formerly Invitae), Labcorp
Classification: Likely benign for Cognitive impairment - coarse facies - heart defects - obesity - pulmonary involvement - short stature - skeletal dysplasia syndrome. Last evaluated: 2022-11-04. Review status: criteria provided, single submitter. Criteria: Invitae Variant Classification Sherloc (09022015). Collection method: clinical testing. Allele origin: germline.

PreventionGenetics, part of Exact Sciences
Classification: Likely benign for AFF4-related condition. Last evaluated: 2023-06-20. Review status: no assertion criteria provided. Collection method: clinical testing. Allele origin: germline. Not counted in ClinVar's aggregate classification.
Comment: This variant is classified as likely benign based on ACMG/AMP sequence variant interpretation guidelines (Richards et al. 2015 PMID: 25741868, with internal and published modifications).

NM_014423.4(AFF4):c.2661T>C (p.Ser887=)

Gene: AFF4 (ALF transcription elongation factor 4; minus strand). Cytogenetic location: 5q31.1.
Variant type: single nucleotide variant.
Coding change: c.2661T>C on transcript NM_014423.4 (MANE Select); coding-DNA position 2661, T replaced by C.
Protein change: p.Ser887=; no amino-acid change (serine 887 retained).
Molecular consequence: synonymous variant.
Genome position (GRCh38, 1-based): chr5:132,889,150, A>G on the plus strand (T>C on the coding strand, the complement: AFF4 is on the minus strand). VCF-style: chr5-132889150-A-G. GRCh37 (hg19) VCF-style: chr5-132224842-A-G.
Other names: c.2661T>C (NM_014423.3).
Identifiers: ClinVar variation 2863547 (VCV002863547.4), dbSNP rs755195360, ClinGen allele CA3408856.